The following is an entry in ClinVar:

NM_000081.4(LYST):c.9498C>G (p.Phe3166Leu)

Gene: LYST (lysosomal trafficking regulator; minus strand). Cytogenetic location: 1q42.3.
Variant type: single nucleotide variant.
Coding change: c.9498C>G on transcript NM_000081.4 (MANE Select); coding-DNA position 9498, C replaced by G.
Protein change: p.Phe3166Leu; replaces phenylalanine 3166 with leucine.
Molecular consequence: missense variant.
Genome position (GRCh38, 1-based): chr1:235,720,723, G>C on the plus strand (C>G on the coding strand, the complement: LYST is on the minus strand). VCF-style: chr1-235720723-G-C. GRCh37 (hg19) VCF-style: chr1-235884023-G-C.
Other names: c.9498C>G, p.Phe3166Leu (NM_001301365.1); short protein forms F3166L.
Identifiers: ClinVar variation 958835 (VCV000958835.3), dbSNP rs574759874, ClinGen allele CA1465586.
Genomic context (GRCh38, chr1:235,720,723, plus strand): 5'-GTATATCAACAGATCATTGAGGTCAAGTGTCTCACTAACGTAGTCAGCAAGTATAAATGG[G>C]AACACAGGATACTGCATGAGATCATTGAAGGATCGGCCAGCATGTTTGTTTAAGTGAGTC-3'
Protein context (NP_000072.2, residues 3156-3176): SFNDLMQYPV[Phe3166Leu]PFILADYVSE

ClinVar aggregate classification (germline): Uncertain significance (1 of 4 stars; one submission).

Conditions:
Chédiak-Higashi syndrome (CHS). Also called: Chediak-Higashi Syndrome. Identifiers: Orphanet 167, MedGen C0007965, MONDO:0008963, OMIM 214500.

Allele frequency attached by ClinVar (database versions not stated): ExAC 0.00001; TOPMed 0.00001; gnomAD 0.00002; 1000 Genomes Project 30x 0.00016; 1000 Genomes Project 0.00020.
gnomAD v4.1: 23 of 1,613,600 alleles (0.0014%); highest among the groups gnomAD compares: Admixed American, 0.0033%; no homozygotes.

Submission:

Labcorp Genetics (formerly Invitae), Labcorp
Classification: Uncertain significance for Chédiak-Higashi syndrome. Last evaluated: 2022-08-16. Review status: criteria provided, single submitter. Criteria: Invitae Variant Classification Sherloc (09022015). Collection method: clinical testing. Allele origin: germline.
Comment: This sequence change replaces phenylalanine, which is neutral and non-polar, with leucine, which is neutral and non-polar, at codon 3166 of the LYST protein (p.Phe3166Leu). This variant is present in population databases (rs574759874, gnomAD 0.003%). This variant has not been reported in the literature in individuals affected with LYST-related conditions. ClinVar contains an entry for this variant (Variation ID: 958835). Algorithms developed to predict the effect of missense changes on protein structure and function are either unavailable or do not agree on the potential impact of this missense change (SIFT: "Deleterious"; PolyPhen-2: "Probably Damaging"; Align-GVGD: "Class C0"). In summary, the available evidence is currently insufficient to determine the role of this variant in disease. Therefore, it has been classified as a Variant of Uncertain Significance.